The following is an entry in ClinVar:

NM_000089.4(COL1A2):c.1772G>A (p.Arg591His)

Gene: COL1A2 (collagen type I alpha 2 chain; plus strand). Cytogenetic location: 7q21.3.
Variant type: single nucleotide variant.
Coding change: c.1772G>A on transcript NM_000089.4 (MANE Select); coding-DNA position 1772, G replaced by A.
Protein change: p.Arg591His; replaces arginine 591 with histidine.
Molecular consequence: missense variant.
Genome position (GRCh38, 1-based): chr7:94,416,412, G>A. VCF-style: chr7-94416412-G-A. GRCh37 (hg19) VCF-style: chr7-94045724-G-A.
Other names: short protein forms R591H.
Identifiers: ClinVar variation 2080382 (VCV002080382.6), dbSNP rs535050755, ClinGen allele CA4347204.

ClinVar aggregate classification (germline): Uncertain significance. Review status: criteria provided, multiple submitters, no conflicts (2 of 4 stars). 3 submissions from 3 submitters: Uncertain significance (3). Last evaluated 2026-05-06.

Conditions:
COL1A2-related disorder. Also called: COL1A2-related condition; COL1A2-Related Disorders.
Cardiovascular phenotype. Identifiers: MedGen CN230736.
Osteogenesis imperfecta type I (OI1). Also called: Osteogenesis imperfecta type 1; Lobstein disease; Classic Non-deforming Osteogenesis Imperfecta with Blue Sclerae; Lobstein's Disease; OI, TYPE I; OSTEOGENESIS IMPERFECTA TARDA. Identifiers: Orphanet 216796, Orphanet 666, MedGen C0023931, MONDO:0008146, OMIM 166200. Disease mechanism: loss of function.
Ehlers-Danlos syndrome, classic type, 1 (EDSCL1). Also called: Ehlers-Danlos Syndrome, Classic Type, COL5A1-Related; EHLERS-DANLOS SYNDROME, GRAVIS TYPE; EHLERS-DANLOS SYNDROME, SEVERE CLASSIC TYPE; EDS I; Ehlers-Danlos syndrome, type 1. Identifiers: MedGen C0268335, MONDO:0019567, OMIM 130000.

Allele frequency attached by ClinVar (database versions not stated): gnomAD 0.00002; TOPMed 0.00002; gnomAD exomes 0.00004; ExAC 0.00012; 1000 Genomes Project 30x 0.00016; 1000 Genomes Project 0.00020.
gnomAD v4.1: 58 of 1,574,262 alleles (0.0037%); highest among the groups gnomAD compares: Non-Finnish European, 0.0045%; no homozygotes.

Submissions (3):

Ambry Genetics
Classification: Uncertain significance for Cardiovascular phenotype. Last evaluated: 2026-05-06. Review status: criteria provided, single submitter. Criteria: Ambry Variant Classification Scheme 2023. Collection method: clinical testing. Allele origin: germline.
Comment: The c.1772G>A (p.R591H) alteration is located in exon 31 (coding exon 31) of the COL1A2 gene. This alteration results from a G to A substitution at nucleotide position 1772, causing the arginine (R) at amino acid position 591 to be replaced by a histidine (H). Based on data from gnomAD, the A allele has an overall frequency of 0.002% (5/219202) total alleles studied. The highest observed frequency was 0.005% (1/20006) of African alleles. Based on insufficient or conflicting evidence, the clinical significance of this alteration remains unclear.

PreventionGenetics, part of Exact Sciences
Classification: Uncertain significance for COL1A2-related condition. Last evaluated: 2025-08-09. Review status: criteria provided, single submitter. Criteria: ACMG Guidelines, 2015. Collection method: clinical testing. Allele origin: germline.
Comment: The COL1A2 c.1772G>A variant is predicted to result in the amino acid substitution p.Arg591His. To our knowledge, this variant has not been reported in the literature. This variant is reported in 0.0050% of alleles in individuals of African descent in gnomAD. At this time, the clinical significance of this variant is uncertain due to the absence of conclusive functional and genetic evidence.

Labcorp Genetics (formerly Invitae), Labcorp
Classification: Uncertain significance for Osteogenesis imperfecta type I; Ehlers-Danlos syndrome, classic type, 1. Last evaluated: 2025-05-24. Review status: criteria provided, single submitter. Criteria: Invitae Variant Classification Sherloc (09022015). Collection method: clinical testing. Allele origin: germline.
Comment: This sequence change replaces arginine, which is basic and polar, with histidine, which is basic and polar, at codon 591 of the COL1A2 protein (p.Arg591His). The frequency data for this variant in the population databases is considered unreliable, as metrics indicate poor data quality at this position in the gnomAD database. This variant has not been reported in the literature in individuals affected with COL1A2-related conditions. ClinVar contains an entry for this variant (Variation ID: 2080382). Invitae Evidence Modeling of protein sequence and biophysical properties (such as structural, functional, and spatial information, amino acid conservation, physicochemical variation, residue mobility, and thermodynamic stability) has been performed for this missense variant. However, the output from this modeling did not meet the statistical confidence thresholds required to predict the impact of this variant on COL1A2 protein function. In summary, the available evidence is currently insufficient to determine the role of this variant in disease. Therefore, it has been classified as a Variant of Uncertain Significance.